The following is an entry in ClinVar:

ClinVar aggregate classification (germline): Benign (1 of 4 stars; one submission).

Conditions:
DICER1-related tumor predisposition. Also called: DICER1 syndrome; DICER1-related pleuropulmonary blastoma cancer predisposition syndrome. Identifiers: Orphanet 284343, MedGen C3839822, MONDO:0100216.

Submission:

Myriad Genetics, Inc.
Classification: Benign for DICER1-related tumor predisposition. Last evaluated: 2026-04-16. Review status: criteria provided, single submitter. Criteria: Myriad Autosomal Dominant, Autosomal Recessive and X-Linked Classification Criteria (2023). Collection method: clinical testing. Allele origin: unknown.
Comment: This variant is considered benign. This variant is a silent/synonymous amino acid change and it is not expected to impact splicing.

NM_177438.3(DICER1):c.1866T>A (p.Gly622=)

Gene: DICER1 (dicer 1, ribonuclease III; minus strand). Cytogenetic location: 14q32.13.
Variant type: single nucleotide variant.
Coding change: c.1866T>A on transcript NM_177438.3 (MANE Select); coding-DNA position 1866, T replaced by A.
Protein change: p.Gly622=; no amino-acid change (glycine 622 retained).
Molecular consequence: synonymous variant. On other transcripts: non-coding transcript variant (6).
Genome position (GRCh38, 1-based): chr14:95,115,708, A>T on the plus strand (T>A on the coding strand, the complement: DICER1 is on the minus strand). VCF-style: chr14-95115708-A-T. GRCh37 (hg19) VCF-style: chr14-95582045-A-T.
Other names: c.1866T>A, p.Gly622= (NM_001195573.1, NM_001271282.3, NM_001291628.2 and 12 more transcripts); c.1584T>A, p.Gly528= (NM_001395686.1); c.1461T>A, p.Gly487= (NM_001395687.1, NM_001395688.1, NM_001395689.1 and 3 more transcripts); c.1299T>A, p.Gly433= (NM_001395691.1); c.183T>A, p.Gly61= (NM_001395697.1).
Identifiers: ClinVar variation 4875915 (VCV004875915.1).